The following is an entry in ClinVar:

NM_201253.3(CRB1):c.4199del (p.Pro1400fs)

Gene: CRB1 (crumbs cell polarity complex component 1; plus strand). Cytogenetic location: 1q31.3.
Variant type: Deletion.
Coding change: c.4199del on transcript NM_201253.3 (MANE Select); coding-DNA position 4199, one base deleted (C; older notation c.4199delC).
Protein change: p.Pro1400fs; shifts the reading frame from proline 1400.
Molecular consequence: frameshift variant. On other transcripts: non-coding transcript variant (2).
Genome position (GRCh38, 1-based): chr1:197,477,857, C deleted; the last of 5 consecutive C bases (chr1:197,477,853-197,477,857); deleting any one gives the same sequence. VCF-style (leftmost placement, unchanged base first): chr1-197477852-AC-A. GRCh37 (hg19) VCF-style: chr1-197446982-AC-A.
Other names: c.3863del, p.Pro1288fs (NM_001193640.2); c.4127del, p.Pro1376fs (NM_001257965.2); c.2591del, p.Pro864fs (NM_001257966.2); short protein forms P1288fs, P1376fs, P1400fs, P864fs.
Identifiers: ClinVar variation 3751403 (VCV003751403.2).

ClinVar aggregate classification (germline): Pathogenic (1 of 4 stars; one submission).

Conditions:
Leber congenital amaurosis 8 (LCA8). Identifiers: Orphanet 65, MedGen C3151202, MONDO:0013453, OMIM 613835.
Retinitis pigmentosa 12 (RP12). Also called: RP WITH OR WITHOUT PRESERVED PARAARTERIOLE RETINAL PIGMENT EPITHELIUM; RETINITIS PIGMENTOSA WITH OR WITHOUT PARAARTERIOLAR PRESERVATION OF RETINAL PIGMENT EPITHELIUM; RP WITH OR WITHOUT PPRPE. Identifiers: Orphanet 791, MedGen C1838647, MONDO:0010818, OMIM 600105.

Submission:

Labcorp Genetics (formerly Invitae), Labcorp
Classification: Pathogenic for Leber congenital amaurosis 8; Retinitis pigmentosa 12. Last evaluated: 2025-03-10. Review status: criteria provided, single submitter. Criteria: Invitae Variant Classification Sherloc (09022015). Collection method: clinical testing. Allele origin: germline.
Comment: This sequence change creates a premature translational stop signal (p.Pro1400Leufs*6) in the CRB1 gene. While this is not anticipated to result in nonsense mediated decay, it is expected to disrupt the last 7 amino acid(s) of the CRB1 protein. This variant is not present in population databases (gnomAD no frequency). This variant has not been reported in the literature in individuals affected with CRB1-related conditions. This variant disrupts a region of the CRB1 protein in which other variant(s) (p.Glu1403Gln) have been determined to be pathogenic (PMID: 24715753, 31054281, 33090715). This suggests that this is a clinically significant region of the protein, and that variants that disrupt it are likely to be disease-causing. For these reasons, this variant has been classified as Pathogenic.

Literature cited by the submitters: PubMed 24715753; PubMed 31054281; PubMed 33090715.